The following is an entry in ClinVar:

NM_001312673.2(PCYT1A):c.976C>T (p.Arg326Cys)

Gene: PCYT1A (phosphate cytidylyltransferase 1A, choline; minus strand). Cytogenetic location: 3q29.
Variant type: single nucleotide variant.
Coding change: c.976C>T on transcript NM_001312673.2 (MANE Select); coding-DNA position 976, C replaced by T.
Protein change: p.Arg326Cys; replaces arginine 326 with cysteine.
Molecular consequence: missense variant.
Genome position (GRCh38, 1-based): chr3:196,238,816, G>A on the plus strand (C>T on the coding strand, the complement: PCYT1A is on the minus strand). VCF-style: chr3-196238816-G-A. GRCh37 (hg19) VCF-style: chr3-195965687-G-A.
Other names: c.976C>T, p.Arg326Cys (NM_005017.4); c.976C>T (NM_005017.2); short protein forms R326C.
Identifiers: ClinVar variation 957928 (VCV000957928.6), dbSNP rs766301243, ClinGen allele CA2779378.

ClinVar aggregate classification (germline): Uncertain significance. Review status: criteria provided, multiple submitters, no conflicts (2 of 4 stars). 2 submissions from 2 submitters: Uncertain significance (2). Last evaluated 2025-01-09.

Conditions:
Inborn genetic diseases. Identifiers: MedGen C0950123, MeSH D030342.

Allele frequency attached by ClinVar (database versions not stated): TOPMed 0.00014.
gnomAD v4.1: 76 of 1,574,990 alleles (0.0048%); highest among the groups gnomAD compares: Middle Eastern, 0.018%; no homozygotes.

Submissions (2):

Ambry Genetics
Classification: Uncertain significance for Inborn genetic diseases. Last evaluated: 2025-01-09. Review status: criteria provided, single submitter. Criteria: Ambry Variant Classification Scheme 2023. Collection method: clinical testing. Allele origin: germline.

Labcorp Genetics (formerly Invitae), Labcorp
Classification: Uncertain significance. Last evaluated: 2024-12-25. Review status: criteria provided, single submitter. Criteria: Invitae Variant Classification Sherloc (09022015). Collection method: clinical testing. Allele origin: germline.
Comment: This sequence change replaces arginine, which is basic and polar, with cysteine, which is neutral and slightly polar, at codon 326 of the PCYT1A protein (p.Arg326Cys). This variant is present in population databases (rs766301243, gnomAD 0.03%). This variant has not been reported in the literature in individuals affected with PCYT1A-related conditions. ClinVar contains an entry for this variant (Variation ID: 957928). Invitae Evidence Modeling of protein sequence and biophysical properties (such as structural, functional, and spatial information, amino acid conservation, physicochemical variation, residue mobility, and thermodynamic stability) has been performed for this missense variant. However, the output from this modeling did not meet the statistical confidence thresholds required to predict the impact of this variant on PCYT1A protein function. In summary, the available evidence is currently insufficient to determine the role of this variant in disease. Therefore, it has been classified as a Variant of Uncertain Significance.